The following is an entry in ClinVar:

ClinVar aggregate classification (germline): Likely pathogenic. Review status: criteria provided, single submitter (1 of 4 stars). 2 submissions from 2 submitters: Likely pathogenic (1). 1 of the submissions does not count toward it. Last evaluated 2024-03-06.

Conditions:
Autosomal recessive congenital ichthyosis 4A (LI2). Also called: ICHTHYOSIS CONGENITA IIB. Identifiers: Orphanet 313, MedGen C1832550, MONDO:0011026, OMIM 601277.
Autosomal recessive congenital ichthyosis 4B (ARCI4B). Also called: Ichthyosis, congenital, autosomal recessive 4B (harlequin); HARLEQUIN ICHTHYOSIS; Harlequin Fetus; ICHTHYOSIS CONGENITA, HARLEQUIN FETUS TYPE. Identifiers: Orphanet 457, MedGen C0598226, MONDO:0009443, OMIM 242500.

Allele frequency attached by ClinVar (database versions not stated): gnomAD exomes below 0.00001.
gnomAD v4.1: 4 of 1,613,932 alleles (0.00025%); highest among the groups gnomAD compares: South Asian, 0.0033%; no homozygotes.

Submissions (2):

3billion
Classification: Likely pathogenic for Autosomal recessive congenital ichthyosis 4A. Last evaluated: 2024-03-06. Review status: criteria provided, single submitter. Criteria: ACMG Guidelines, 2015. Collection method: clinical testing. Allele origin: germline. Affected: yes.
Comment: The variant is observed at an extremely low frequency in the gnomAD v2.1.1 dataset (total allele frequency: <0.001%). Predicted Consequence/Location: Missense variant In silico tool predictions suggest damaging effect of the variant on gene or gene product [REVEL: 0.87 (>=0.6, sensitivity 0.68 and specificity 0.92)]. Same nucleotide change resulting in same amino acid change has been previously reported to be associated with ABCA12-related disorder (PMID: 22257947 /3billion dataset). The variant has been reported to be in trans with a pathogenic variant as either compound heterozygous or homozygous in at least one similarly affected unrelated individual (PMID: 22257947 / 3billion dataset). The variant has been reported to co-segregate with the disease in at least 3 similarly affected relatives/individuals in the same family or similarly affected unrelated family (PMID: 22257947). Therefore, this variant is classified as Likely pathogenic according to the recommendation of ACMG/AMP guideline.

Human Molecular Lab, Hazara University
Classification: Likely pathogenic for Autosomal recessive congenital ichthyosis 4B. Last evaluated: 2026-02-25. Review status: no assertion criteria provided. Collection method: research. Allele origin: germline. Affected: yes. Observed: 2 variant alleles, 2 homozygotes. Clinical features observed: Wrinkled skin, dry, brittle and thick, yellowish tartar with microdontia and macrodontia, Enlarged and bulbous at the interphalangeal joints. Not counted in ClinVar's aggregate classification.
Comment: The NM_173076 c.G4676T:p.G1559V is a missense variant in ABCA12 . The variant has been identified as a homozygous occurrence in two affected males, which confirms the autosomal recessive inheritance pattern, both the individuals shows highly specific phenotype consistent with the gene. Same nucleotide change resulting in same amino acid change has been previously reported to be associated with ABCA12-related disorder (PMID: 22257947 /3billion dataset). The variant has been reported to be in trans with a pathogenic variant as either compound heterozygous or homozygous in at least one similarly affected unrelated individual (PMID: 22257947 / 3billion dataset). The variant has been reported to co-segregate with the disease in at least 3 similarly affected relatives/individuals in the same family or similarly affected unrelated family (PMID: 22257947). Therefore, this variant is classified as Likely pathogenic according to the recommendation of ACMG/AMP guideline (PP4 and PS1).

Literature cited by the submitters: PubMed 22257947 (cited by 3billion).

NM_173076.3(ABCA12):c.4676G>T (p.Gly1559Val)

Gene: ABCA12 (ATP binding cassette subfamily A member 12; minus strand). Cytogenetic location: 2q35.
Variant type: single nucleotide variant.
Coding change: c.4676G>T on transcript NM_173076.3 (MANE Select); coding-DNA position 4676, G replaced by T.
Protein change: p.Gly1559Val; replaces glycine 1559 with valine.
Molecular consequence: missense variant. On other transcripts: non-coding transcript variant (1).
Genome position (GRCh38, 1-based): chr2:214,980,547, C>A on the plus strand (G>T on the coding strand, the complement: ABCA12 is on the minus strand). VCF-style: chr2-214980547-C-A. GRCh37 (hg19) VCF-style: chr2-215845271-C-A.
Other names: p.(G1241V); c.3722G>T (NM_015657.1); c.3722G>T, p.Gly1241Val (NM_015657.4); short protein forms G1241V, G1559V.
Identifiers: ClinVar variation 1526223 (VCV001526223.3), dbSNP rs1457513156, ClinGen allele CA350460905.